The following is an entry in ClinVar:

NM_000642.3(AGL):c.2977_2982del (p.Phe993_Tyr994del)

Gene: AGL (amylo-alpha-1, 6-glucosidase, 4-alpha-glucanotransferase; plus strand). Cytogenetic location: 1p21.2.
Variant type: Deletion.
Coding change: c.2977_2982del on transcript NM_000642.3 (MANE Select); coding-DNA positions 2977 to 2982, 6 bases deleted (TTCTAC; older notation c.2977_2982delTTCTAC).
Protein change: p.Phe993_Tyr994del.
Molecular consequence: inframe deletion. On other transcripts: inframe indel (10).
Genome position (GRCh38, 1-based): chr1:99,891,633-99,891,638, TTCTAC deleted; deleting any 6 consecutive bases within chr1:99,891,632-99,891,638 gives the same sequence; the c. name uses the placement nearest the transcript's 3' end. VCF-style (leftmost placement, unchanged base first): chr1-99891631-TCTTCTA-T. GRCh37 (hg19) VCF-style: chr1-100357187-TCTTCTA-T.
Other names: c.2977_2982delTTCTAC, p.Phe993_Tyr994del (NM_000028.3, NM_000643.3, NM_000644.3 and 1 more transcripts); c.2929_2934delTTCTAC, p.Phe977_Tyr978del (NM_000646.3); c.2956_2961delTTCTAC, p.Phe986_Tyr987del (NM_001425326.1); c.2776_2781delTTCTAC, p.Phe926_Tyr927del (NM_001425327.1); c.2773_2778delTTCTAC, p.Phe925_Tyr926del (NM_001425328.1); c.2638_2643delTTCTAC, p.Phe880_Tyr881del (NM_001425329.1); c.2599_2604delTTCTAC, p.Phe867_Tyr868del (NM_001425332.1).
Identifiers: ClinVar variation 422206 (VCV000422206.2), dbSNP rs1064795630, ClinGen allele CA16617220.
Genomic context (GRCh38, chr1:99,891,631, plus strand): 5'-TACCAAATTAACTTTCAAATTTATTTTAATTACAGGTTGGTAAATGGTTGCAGGCTATGT[TCTTCTA>T]CCTGAAGCAGATCCCACGTTACCTTATCCCATGTTACTTTGATGCTATATTAATTGGTGC-3'

ClinVar aggregate classification (germline): Likely pathogenic (1 of 4 stars; one submission).

Submission:

GeneDx
Classification: Likely pathogenic. Last evaluated: 2016-09-15. Review status: criteria provided, single submitter. Criteria: GeneDx Variant Classification (06012015). Collection method: clinical testing. Allele origin: germline. Affected: yes.
Comment: The c.2977_2982delTTCTAC variant in the AGL gene has not been reported previously as a pathogenic variant nor as a benign variant, to our knowledge. The c.2977_2982delTTCTAC variant causes an in-frame deletion of two amnio acids, Phenylalanine 993 and Tyrosine 994, denoted p.Phe993_Tyr994del. The c.2977_2982delTTCTAC variant was not observed in approximately 6,500 individuals of European and African American ancestry in the NHLBI Exome Sequencing Project, indicating it is not a common benign variant in these populations. We interpret c.2977_2982delTTCTAC as a likely pathogenic variant.